The following is an entry in ClinVar:

NM_012233.3(RAB3GAP1):c.2852A>G (p.Tyr951Cys)

Gene: RAB3GAP1 (RAB3 GTPase activating protein catalytic subunit 1; plus strand). Cytogenetic location: 2q21.3.
Variant type: single nucleotide variant.
Coding change: c.2852A>G on transcript NM_012233.3 (MANE Select); coding-DNA position 2852, A replaced by G.
Protein change: p.Tyr951Cys; replaces tyrosine 951 with cysteine.
Molecular consequence: missense variant.
Genome position (GRCh38, 1-based): chr2:135,168,687, A>G. VCF-style: chr2-135168687-A-G. GRCh37 (hg19) VCF-style: chr2-135926257-A-G.
Other names: c.2873A>G, p.Tyr958Cys (NM_001172435.2); short protein forms Y951C, Y958C.
Identifiers: ClinVar variation 2172984 (VCV002172984.3), dbSNP rs988743078, ClinGen allele CA56587581.

ClinVar aggregate classification (germline): Uncertain significance (1 of 4 stars; one submission).

Allele frequency attached by ClinVar (database versions not stated): gnomAD 0.00001; TOPMed 0.00003.
gnomAD v4.1: 7 of 1,613,782 alleles (0.00043%); highest among the groups gnomAD compares: African/African-American, 0.0013%; no homozygotes.

Submission:

Labcorp Genetics (formerly Invitae), Labcorp
Classification: Uncertain significance. Last evaluated: 2022-07-27. Review status: criteria provided, single submitter. Criteria: Invitae Variant Classification Sherloc (09022015). Collection method: clinical testing. Allele origin: germline.
Comment: This sequence change replaces tyrosine, which is neutral and polar, with cysteine, which is neutral and slightly polar, at codon 951 of the RAB3GAP1 protein (p.Tyr951Cys). This variant is not present in population databases (gnomAD no frequency). This variant has not been reported in the literature in individuals affected with RAB3GAP1-related conditions. Algorithms developed to predict the effect of missense changes on protein structure and function are either unavailable or do not agree on the potential impact of this missense change (SIFT: "Tolerated"; PolyPhen-2: "Probably Damaging"; Align-GVGD: "Class C0"). In summary, the available evidence is currently insufficient to determine the role of this variant in disease. Therefore, it has been classified as a Variant of Uncertain Significance.